The following is an entry in ClinVar:

NM_019042.5(PUS7):c.125A>G (p.Lys42Arg)

Gene: PUS7 (pseudouridine synthase 7; minus strand). Cytogenetic location: 7q22.3.
Variant type: single nucleotide variant.
Coding change: c.125A>G on transcript NM_019042.5 (MANE Select); coding-DNA position 125, A replaced by G.
Protein change: p.Lys42Arg; replaces lysine 42 with arginine.
Molecular consequence: missense variant.
Genome position (GRCh38, 1-based): chr7:105,508,388, T>C on the plus strand (A>G on the coding strand, the complement: PUS7 is on the minus strand). VCF-style: chr7-105508388-T-C. GRCh37 (hg19) VCF-style: chr7-105148835-T-C.
Other names: c.125A>G, p.Lys42Arg (NM_001318163.1, NM_001318164.2); short protein forms K42R.
Identifiers: ClinVar variation 2404479 (VCV002404479.2), dbSNP rs151112928, ClinGen allele CA4426266.

ClinVar aggregate classification (germline): Uncertain significance (1 of 4 stars; one submission).

Conditions:
Inborn genetic diseases. Identifiers: MedGen C0950123, MeSH D030342.

Allele frequency attached by ClinVar (database versions not stated): TOPMed 0.00003; ESP Exome Variant Server 0.00008; gnomAD 0.00009; gnomAD exomes 0.00011; ExAC 0.00026.
gnomAD v4.1: 168 of 1,613,988 alleles (0.01%); highest among the groups gnomAD compares: Non-Finnish European, 0.0057%; no homozygotes.

Submission:

Ambry Genetics
Classification: Uncertain significance for Inborn genetic diseases. Last evaluated: 2021-01-27. Review status: criteria provided, single submitter. Criteria: Ambry Variant Classification Scheme 2023. Collection method: clinical testing. Allele origin: germline.
Comment: The c.125A>G (p.K42R) alteration is located in exon 2 (coding exon 1) of the PUS7 gene. This alteration results from a A to G substitution at nucleotide position 125, causing the lysine (K) at amino acid position 42 to be replaced by an arginine (R). The p.K42R alteration is predicted to be tolerated by in silico analysis. Based on insufficient or conflicting evidence, the clinical significance of this alteration remains unclear.